The following is an entry in ClinVar:

NM_000256.3(MYBPC3):c.908+4A>T

Gene: MYBPC3 (myosin binding protein C3; minus strand). Cytogenetic location: 11p11.2.
Variant type: single nucleotide variant.
Coding change: c.908+4A>T on transcript NM_000256.3 (MANE Select); 4 bases into the intron after coding-DNA position 908, A replaced by T.
Molecular consequence: intron variant.
Genome position (GRCh38, 1-based): chr11:47,347,023, T>A on the plus strand (A>T on the coding strand, the complement: MYBPC3 is on the minus strand). VCF-style: chr11-47347023-T-A. GRCh37 (hg19) VCF-style: chr11-47368574-T-A.
Identifiers: ClinVar variation 3071681 (VCV003071681.2), dbSNP rs2495773071, ClinGen allele CA2613393484.

ClinVar aggregate classification (germline): Uncertain significance. Review status: criteria provided, multiple submitters, no conflicts (2 of 4 stars). 2 submissions from 2 submitters: Uncertain significance (2). Last evaluated 2025-02-28.

Conditions:
Hypertrophic cardiomyopathy. Also called: HYPERTROPHIC MYOCARDIOPATHY. Identifiers: Orphanet 217569, MedGen C0007194, MeSH D002312, MONDO:0005045, HP:0001639.

Allele frequency attached by ClinVar (database versions not stated): gnomAD exomes below 0.00001.
gnomAD v4.1: 2 of 796,406 alleles (0.00025%); highest among the groups gnomAD compares: Non-Finnish European, 0.00045%; no homozygotes.

Submissions (2):

Labcorp Genetics (formerly Invitae), Labcorp
Classification: Uncertain significance for Hypertrophic cardiomyopathy. Last evaluated: 2025-02-28. Review status: criteria provided, single submitter. Criteria: Invitae Variant Classification Sherloc (09022015). Collection method: clinical testing. Allele origin: germline.
Comment: This sequence change falls in intron 10 of the MYBPC3 gene. It does not directly change the encoded amino acid sequence of the MYBPC3 protein. It affects a nucleotide within the consensus splice site. This variant is not present in population databases (gnomAD no frequency). This variant has not been reported in the literature in individuals affected with MYBPC3-related conditions. ClinVar contains an entry for this variant (Variation ID: 3071681). Variants that disrupt the consensus splice site are a relatively common cause of aberrant splicing (PMID: 17576681, 9536098). Algorithms developed to predict the effect of sequence changes on RNA splicing suggest that this variant may disrupt the consensus splice site. In summary, the available evidence is currently insufficient to determine the role of this variant in disease. Therefore, it has been classified as a Variant of Uncertain Significance.

All of Us Research Program, National Institutes of Health
Classification: Uncertain significance for Hypertrophic cardiomyopathy. Last evaluated: 2023-06-08. Review status: criteria provided, single submitter. Criteria: ACMG Guidelines, 2015. Collection method: clinical testing. Allele origin: germline. Inheritance: Autosomal dominant inheritance. Observed: 1 variant allele, 1 heterozygote.
Comment: This variant causes an A to T nucleotide substitution at the +4 position of intron 10 of the MYBPC3 gene. Splice site prediction tools are inconclusive regarding the impact of this variant on RNA splicing. To our knowledge, functional studies have not been reported for this variant. This variant has not been reported in individuals affected with MYBPC3-related disorders in the literature. This variant has not been identified in the general population by the Genome Aggregation Database (gnomAD). The available evidence is insufficient to determine the role of this variant in disease conclusively. Therefore, this variant is classified as a Variant of Uncertain Significance.

This study involves interpretation of variants in research participants for the purpose of population health screening. Participant phenotype was not available at the time of variant classification. Additional details can be found in publication PMID: 35346344, PMCID: PMC8962531

Literature cited by the submitters: PubMed 17576681 (cited by Labcorp Genetics (formerly Invitae), Labcorp); PubMed 9536098 (cited by Labcorp Genetics (formerly Invitae), Labcorp).